The following is an entry in ClinVar:

NM_032043.3(BRIP1):c.172del (p.Cys58fs)

Gene: BRIP1 (BRCA1 interacting DNA helicase 1; minus strand). Cytogenetic location: 17q23.2.
Variant type: Deletion.
Coding change: c.172del on transcript NM_032043.3 (MANE Select); coding-DNA position 172, one base deleted (T; older notation c.172delT).
Protein change: p.Cys58fs; shifts the reading frame from cysteine 58.
Molecular consequence: frameshift variant.
Genome position (GRCh38, 1-based): chr17:61,859,829, A deleted on the plus strand (T on the coding strand, the reverse complement: BRIP1 is on the minus strand); the first of 3 consecutive A bases (chr17:61,859,829-61,859,831); deleting any one gives the same sequence. VCF-style (leftmost placement, unchanged base first): chr17-61859828-CA-C. GRCh37 (hg19) VCF-style: chr17-59937189-CA-C.
Other names: c.172delT (NM_032043.2); short protein forms C58fs.
Identifiers: ClinVar variation 4867902 (VCV004867902.1).
Genomic context (GRCh38, chr17:61,859,828, plus strand): 5'-AACCTGAAGATATCAAGCAACTACTTACCACTAAGAGATTGTTGCCATGCTAAAGCAGAA[CA>C]AAGTAAGGCTAAGCTTTTTCCACTTCCTGTGGGACTCTCCAACAAACAATGTTGCTTGCT-3'

ClinVar aggregate classification (germline): Pathogenic (1 of 4 stars; one submission).

Conditions:
Hereditary cancer-predisposing syndrome. Also called: Neoplastic Syndromes, Hereditary; Tumor predisposition; Hereditary Cancer Syndrome; Hereditary neoplastic syndrome. Identifiers: Orphanet 140162, MedGen C0027672, MeSH D009386, MONDO:0015356.

Submission:

Ambry Genetics
Classification: Pathogenic for Hereditary cancer-predisposing syndrome. Last evaluated: 2026-03-17. Review status: criteria provided, single submitter. Criteria: Ambry Variant Classification Scheme 2023. Collection method: clinical testing. Allele origin: germline.
Comment: The c.172delT pathogenic mutation, located in coding exon 2 of the BRIP1 gene, results from a deletion of one nucleotide at nucleotide position 172, causing a translational frameshift with a predicted alternate stop codon (p.C58Vfs*4). This variant is considered to be rare based on population cohorts in the Genome Aggregation Database (gnomAD). This alteration is expected to result in loss of function by premature protein truncation or nonsense-mediated mRNA decay. As such, this alteration is interpreted as a disease-causing mutation.